The following is an entry in ClinVar:

ClinVar aggregate classification (germline): Uncertain significance (1 of 4 stars; one submission).

Conditions:
Charcot-Marie-Tooth disease type 2E (CMT2E). Also called: CHARCOT-MARIE-TOOTH NEUROPATHY, TYPE 2E; CHARCOT-MARIE-TOOTH DISEASE, AXONAL, TYPE 2E. Identifiers: Orphanet 99939, MedGen C1843225, MONDO:0011894, OMIM 607684.

Submission:

Labcorp Genetics (formerly Invitae), Labcorp
Classification: Uncertain significance for Charcot-Marie-Tooth disease type 2E. Last evaluated: 2018-11-02. Review status: criteria provided, single submitter. Criteria: Invitae Variant Classification Sherloc (09022015). Collection method: clinical testing. Allele origin: germline.
Comment: In summary, the available evidence is currently insufficient to determine the role of this variant in disease. Therefore, it has been classified as a Variant of Uncertain Significance. Algorithms developed to predict the effect of missense changes on protein structure and function (SIFT, Align-GVGD) all suggest that this variant is likely to be tolerated, but these predictions have not been confirmed by published functional studies and their clinical significance is uncertain. This variant has not been reported in the literature in individuals with NEFL-related disease. This variant is not present in population databases (ExAC no frequency). This sequence change replaces serine with glycine at codon 445 of the NEFL protein (p.Ser445Gly). The serine residue is highly conserved and there is a small physicochemical difference between serine and glycine.

NM_006158.5(NEFL):c.1333A>G (p.Ser445Gly)

Gene: NEFL (neurofilament light chain; minus strand). Cytogenetic location: 8p21.2.
Variant type: single nucleotide variant.
Coding change: c.1333A>G on transcript NM_006158.5 (MANE Select); coding-DNA position 1333, A replaced by G.
Protein change: p.Ser445Gly; replaces serine 445 with glycine.
Molecular consequence: missense variant.
Genome position (GRCh38, 1-based): chr8:24,953,632, T>C on the plus strand (A>G on the coding strand, the complement: NEFL is on the minus strand). VCF-style: chr8-24953632-T-C. GRCh37 (hg19) VCF-style: chr8-24811146-T-C.
Other names: short protein forms S445G.
Identifiers: ClinVar variation 571410 (VCV000571410.5), dbSNP rs1563251190, ClinGen allele CA370620167.